The following is an entry in ClinVar:

ClinVar aggregate classification (germline): Uncertain significance (1 of 4 stars; one submission).

Conditions:
Hyperekplexia 3 (HKPX3). Also called: HYPEREKPLEXIA 3, AUTOSOMAL RECESSIVE; HYPEREKPLEXIA 3, AUTOSOMAL DOMINANT. Identifiers: Orphanet 3197, MedGen C3553288, MONDO:0013827, OMIM 614618.

Allele frequency attached by ClinVar (database versions not stated): gnomAD 0.00001; TOPMed 0.00002.
gnomAD v4.1: 4 of 1,614,006 alleles (0.00025%); highest among the groups gnomAD compares: African/African-American, 0.0013%; no homozygotes.

Submission:

Labcorp Genetics (formerly Invitae), Labcorp
Classification: Uncertain significance for Hyperekplexia 3. Last evaluated: 2022-06-13. Review status: criteria provided, single submitter. Criteria: Invitae Variant Classification Sherloc (09022015). Collection method: clinical testing. Allele origin: germline.
Comment: This sequence change replaces serine, which is neutral and polar, with phenylalanine, which is neutral and non-polar, at codon 310 of the SLC6A5 protein (p.Ser310Phe). This variant is not present in population databases (gnomAD no frequency). This variant has not been reported in the literature in individuals affected with SLC6A5-related conditions. Advanced modeling of protein sequence and biophysical properties (such as structural, functional, and spatial information, amino acid conservation, physicochemical variation, residue mobility, and thermodynamic stability) performed at Invitae indicates that this missense variant is not expected to disrupt SLC6A5 protein function. In summary, the available evidence is currently insufficient to determine the role of this variant in disease. Therefore, it has been classified as a Variant of Uncertain Significance.

NM_004211.5(SLC6A5):c.929C>T (p.Ser310Phe)

Gene: SLC6A5 (solute carrier family 6 member 5; plus strand). Cytogenetic location: 11p15.1.
Variant type: single nucleotide variant.
Coding change: c.929C>T on transcript NM_004211.5 (MANE Select); coding-DNA position 929, C replaced by T.
Protein change: p.Ser310Phe; replaces serine 310 with phenylalanine.
Molecular consequence: missense variant.
Genome position (GRCh38, 1-based): chr11:20,607,596, C>T. VCF-style: chr11-20607596-C-T. GRCh37 (hg19) VCF-style: chr11-20629142-C-T.
Other names: c.227C>T, p.Ser76Phe (NM_001318369.2); short protein forms S76F, S310F.
Identifiers: ClinVar variation 1468019 (VCV001468019.5), dbSNP rs373186404, ClinGen allele CA218724148.
Genomic context (GRCh38, chr11:20,607,596, plus strand): 5'-TTATTTGCTATACACTTTTCTACCTGTTTGCCTCCTTTGTGTCTGTACTACCCTGGGGCT[C>T]CTGCAACAACCCTTGGAATACGCCAGAATGCAAAGATAAAACCAAACTTTTATTAGGTAA-3'
Protein context (NP_004202.4, residues 300-320): ASFVSVLPWG[Ser310Phe]CNNPWNTPEC